The following is an entry in ClinVar:

ClinVar aggregate classification (germline): Conflicting classifications of pathogenicity. Review status: criteria provided, conflicting classifications (1 of 4 stars). 9 submissions from 9 submitters: Uncertain significance (7); Likely benign (1). 1 of the submissions does not count toward it. Last evaluated 2025-06-19.

Conditions:
Wilson disease (WND). Also called: Wilson's disease. Identifiers: Orphanet 905, MedGen C0019202, MONDO:0010200, OMIM 277900. Disease mechanism: loss of function.

Allele frequency attached by ClinVar (database versions not stated): gnomAD exomes below 0.00001; gnomAD 0.00001; TOPMed 0.00002; ESP Exome Variant Server 0.00008.
gnomAD v4.1: 6 of 1,614,048 alleles (0.00037%); highest among the groups gnomAD compares: Admixed American, 0.005%; no homozygotes.

Submissions (9):

Color Diagnostics, LLC DBA Color Health
Classification: Uncertain significance for Wilson disease. Last evaluated: 2025-06-19. Review status: criteria provided, single submitter. Criteria: ACMG Guidelines, 2015. Collection method: clinical testing. Allele origin: germline.
Comment: This missense variant replaces leucine with proline at codon 1454 of the ATP7B protein. Computational prediction is inconclusive regarding the impact of this variant on protein structure and function. To our knowledge, functional studies have not been reported for this variant. This variant has not been reported in individuals affected with Wilson disease in the literature. This variant has been identified in 2/280864 chromosomes in the general population by the Genome Aggregation Database (gnomAD). The available evidence is insufficient to determine the role of this variant in disease conclusively. Therefore, this variant is classified as a Variant of Uncertain Significance.

Labcorp Genetics (formerly Invitae), Labcorp
Classification: Uncertain significance for Wilson disease. Last evaluated: 2025-01-12. Review status: criteria provided, single submitter. Criteria: Invitae Variant Classification Sherloc (09022015). Collection method: clinical testing. Allele origin: germline.
Comment: This sequence change replaces leucine, which is neutral and non-polar, with proline, which is neutral and non-polar, at codon 1454 of the ATP7B protein (p.Leu1454Pro). This variant is present in population databases (rs377492122, gnomAD 0.0008%). This variant has not been reported in the literature in individuals affected with ATP7B-related conditions. ClinVar contains an entry for this variant (Variation ID: 434448). Invitae Evidence Modeling of protein sequence and biophysical properties (such as structural, functional, and spatial information, amino acid conservation, physicochemical variation, residue mobility, and thermodynamic stability) indicates that this missense variant is not expected to disrupt ATP7B protein function with a negative predictive value of 95%. In summary, the available evidence is currently insufficient to determine the role of this variant in disease. Therefore, it has been classified as a Variant of Uncertain Significance.

Blueprint Genetics
Classification: Likely benign. Last evaluated: 2024-06-12. Review status: criteria provided, single submitter. Criteria: ACMG Guidelines, 2015. Collection method: clinical testing. Allele origin: germline.

All of Us Research Program, National Institutes of Health
Classification: Uncertain significance for Wilson disease. Last evaluated: 2023-12-13. Review status: criteria provided, single submitter. Criteria: ACMG Guidelines, 2015. Collection method: clinical testing. Allele origin: germline. Inheritance: Autosomal recessive inheritance. Observed: 3 variant alleles, 3 heterozygotes.
Comment: This missense variant replaces leucine with proline at codon 1454 of the ATP7B protein. Computational prediction is inconclusive regarding the impact of this variant on protein structure and function (internally defined REVEL score threshold 0.5 < inconclusive < 0.7, PMID: 27666373). To our knowledge, functional studies have not been reported for this variant. This variant has not been reported in individuals affected with Wilson disease in the literature. This variant has been identified in 2/280864 chromosomes in the general population by the Genome Aggregation Database (gnomAD). The available evidence is insufficient to determine the role of this variant in disease conclusively. Therefore, this variant is classified as a Variant of Uncertain Significance.

This study involves interpretation of variants in research participants for the purpose of population health screening. Participant phenotype was not available at the time of variant classification. Additional details can be found in publication PMID: 35346344, PMCID: PMC8962531

Mayo Clinic Laboratories, Mayo Clinic
Classification: Uncertain significance. Last evaluated: 2021-11-22. Review status: criteria provided, single submitter. Criteria: ACMG Guidelines, 2015. Collection method: clinical testing. Allele origin: germline.

Fulgent Genetics
Classification: Uncertain significance for Wilson disease. Last evaluated: 2021-10-15. Review status: criteria provided, single submitter. Criteria: ACMG Guidelines, 2015. Collection method: clinical testing. Allele origin: unknown.

Genome-Nilou Lab
Classification: Uncertain significance for Wilson disease. Last evaluated: 2021-09-05. Review status: criteria provided, single submitter. Criteria: ACMG Guidelines, 2015. Collection method: clinical testing. Allele origin: germline. Affected: no.

Genetic Services Laboratory, University of Chicago
Classification: Uncertain significance. Last evaluated: 2017-04-06. Review status: criteria provided, single submitter. Criteria: ACMG Guidelines, 2015. Collection method: clinical testing. Allele origin: germline. Affected: no.

Natera, Inc.
Classification: Uncertain significance for Wilson disease. Last evaluated: 2020-10-12. Review status: no assertion criteria provided. Collection method: clinical testing. Allele origin: germline. Not counted in ClinVar's aggregate classification.

NM_000053.4(ATP7B):c.4361T>C (p.Leu1454Pro)

Gene: ATP7B (ATPase copper transporting beta; minus strand). Cytogenetic location: 13q14.3.
Variant type: single nucleotide variant.
Coding change: c.4361T>C on transcript NM_000053.4 (MANE Select); coding-DNA position 4361, T replaced by C.
Protein change: p.Leu1454Pro; replaces leucine 1454 with proline.
Molecular consequence: missense variant.
Genome position (GRCh38, 1-based): chr13:51,934,793, A>G on the plus strand (T>C on the coding strand, the complement: ATP7B is on the minus strand). VCF-style: chr13-51934793-A-G. GRCh37 (hg19) VCF-style: chr13-52508929-A-G.
Other names: p.Leu1454Pro; c.3740T>C, p.Leu1247Pro (NM_001005918.3); c.4028T>C, p.Leu1343Pro (NM_001243182.2); c.4127T>C, p.Leu1376Pro (NM_001330578.2); c.4109T>C, p.Leu1370Pro (NM_001330579.2); short protein forms L1454P, L1343P, L1370P, L1247P, L1376P.
Identifiers: ClinVar variation 434448 (VCV000434448.24), dbSNP rs377492122, ClinGen allele CA250071440.